The following is an entry in ClinVar:

ClinVar aggregate classification (germline): Uncertain significance. Review status: criteria provided, multiple submitters, no conflicts (2 of 4 stars). 3 submissions from 3 submitters: Uncertain significance (3). Last evaluated 2025-04-29.

Conditions:
Hereditary cancer-predisposing syndrome. Also called: Neoplastic Syndromes, Hereditary; Hereditary Cancer Syndrome; Hereditary neoplastic syndrome; Tumor predisposition. Identifiers: Orphanet 140162, MedGen C0027672, MeSH D009386, MONDO:0015356.
Cardiovascular phenotype. Identifiers: MedGen CN230736.
Neurofibromatosis, type 1 (NF1). Also called: Neurofibromatosis, type I; Peripheral type neurofibromatosis; VON RECKLINGHAUSEN DISEASE; NEUROFIBROMATOSIS, TYPE I, SOMATIC. Identifiers: Orphanet 636, MedGen C0027831, MONDO:0018975, OMIM 162200. Disease mechanism: loss of function.

Allele frequency attached by ClinVar (database versions not stated): gnomAD exomes below 0.00001.
gnomAD v4.1: 1 of 1,614,138 alleles (0.000062%); highest among the groups gnomAD compares: Non-Finnish European, 0.000085%; no homozygotes.

Submissions (3):

Labcorp Genetics (formerly Invitae), Labcorp
Classification: Uncertain significance for Neurofibromatosis, type 1. Last evaluated: 2025-04-29. Review status: criteria provided, single submitter. Criteria: Invitae Variant Classification Sherloc (09022015). Collection method: clinical testing. Allele origin: germline.
Comment: This sequence change replaces threonine, which is neutral and polar, with isoleucine, which is neutral and non-polar, at codon 2752 of the NF1 protein (p.Thr2752Ile). This variant is not present in population databases (gnomAD no frequency). This variant has not been reported in the literature in individuals affected with NF1-related conditions. ClinVar contains an entry for this variant (Variation ID: 827535). Invitae Evidence Modeling of protein sequence and biophysical properties (such as structural, functional, and spatial information, amino acid conservation, physicochemical variation, residue mobility, and thermodynamic stability) has been performed for this missense variant. However, the output from this modeling did not meet the statistical confidence thresholds required to predict the impact of this variant on NF1 protein function. In summary, the available evidence is currently insufficient to determine the role of this variant in disease. Therefore, it has been classified as a Variant of Uncertain Significance.

Genome-Nilou Lab
Classification: Uncertain significance for Neurofibromatosis, type 1. Last evaluated: 2022-03-15. Review status: criteria provided, single submitter. Criteria: ACMG Guidelines, 2015. Collection method: clinical testing. Allele origin: germline. Affected: no.

Ambry Genetics
Classification: Uncertain significance for Cardiovascular phenotype; Hereditary cancer-predisposing syndrome. Last evaluated: 2019-01-02. Review status: criteria provided, single submitter. Criteria: Ambry Variant Classification Scheme 2023. Collection method: clinical testing. Allele origin: germline.
Comment: The p.T2752I variant (also known as c.8255C>T), located in coding exon 56 of the NF1 gene, results from a C to T substitution at nucleotide position 8255. The threonine at codon 2752 is replaced by isoleucine, an amino acid with similar properties. This amino acid position is highly conserved in available vertebrate species. In addition, the in silico prediction for this alteration is inconclusive. Since supporting evidence is limited at this time, the clinical significance of this alteration remains unclear.

NM_001042492.3(NF1):c.8318C>T (p.Thr2773Ile)

Gene: NF1 (neurofibromin 1; plus strand). Cytogenetic location: 17q11.2.
Variant type: single nucleotide variant.
Coding change: c.8318C>T on transcript NM_001042492.3 (MANE Select); coding-DNA position 8318, C replaced by T.
Protein change: p.Thr2773Ile; replaces threonine 2773 with isoleucine.
Molecular consequence: missense variant.
Genome position (GRCh38, 1-based): chr17:31,360,644, C>T. VCF-style: chr17-31360644-C-T. GRCh37 (hg19) VCF-style: chr17-29687662-C-T.
Other names: c.8255C>T, p.Thr2752Ile (NM_000267.4); short protein forms T2752I, T2773I.
Identifiers: ClinVar variation 827535 (VCV000827535.9), dbSNP rs1597870290, ClinGen allele CA399204946.